The following is an entry in ClinVar:

ClinVar aggregate classification (germline): Likely pathogenic (1 of 4 stars; one submission).

gnomAD v4.1: 1 of 1,614,096 alleles (0.000062%); highest among the groups gnomAD compares: South Asian, 0.0011%; no homozygotes.

Submission:

Labcorp Genetics (formerly Invitae), Labcorp
Classification: Likely pathogenic. Last evaluated: 2025-11-23. Review status: criteria provided, single submitter. Criteria: Invitae Variant Classification Sherloc (09022015). Collection method: clinical testing. Allele origin: germline.
Comment: This sequence change affects an acceptor splice site in intron 3 of the IFT43 gene. It is expected to disrupt RNA splicing. Variants that disrupt the donor or acceptor splice site typically lead to a loss of protein function (PMID: 16199547), and loss-of-function variants in IFT43 are known to be pathogenic (PMID: 21378380, 28400947). This variant is present in population databases (rs763651475, gnomAD 0.0009%). This variant has not been reported in the literature in individuals affected with IFT43-related conditions. Algorithms developed to predict the effect of sequence changes on RNA splicing suggest that this variant may disrupt the consensus splice site. In summary, the currently available evidence indicates that the variant is pathogenic, but additional data are needed to prove that conclusively. Therefore, this variant has been classified as Likely Pathogenic.

Literature cited by the submitters: PubMed 16199547; PubMed 21378380; PubMed 28400947.

NM_001102564.3(IFT43):c.296-5700A>G

Gene: IFT43 (intraflagellar transport 43; plus strand). Cytogenetic location: 14q24.3.
Variant type: single nucleotide variant.
Coding change: c.296-5700A>G on transcript NM_001102564.3 (MANE Select); 5700 bases into the intron before coding-DNA position 296, A replaced by G.
Molecular consequence: intron variant. On other transcripts: splice acceptor variant (1).
Genome position (GRCh38, 1-based): chr14:76,076,595, A>G. VCF-style: chr14-76076595-A-G. GRCh37 (hg19) VCF-style: chr14-76542938-A-G.
Other names: c.216-2A>G (NM_052873.3).
Identifiers: ClinVar variation 4810745 (VCV004810745.1).
Genomic context (GRCh38, chr14:76,076,595, plus strand): 5'-TAGTGCTTGGGGTATACTCATTGCAAGCTGAGTCCAATCTAAGAAGTCACTTTCTGTTCT[A>G]GCGGTACCCAAACAGGCAAACAACAGCTGGATCTGAACGCATGCTATCACAAAACGCATC-3'